The following is an entry in ClinVar:

ClinVar aggregate classification (germline): Uncertain significance. Review status: criteria provided, multiple submitters, no conflicts (2 of 4 stars). 2 submissions from 2 submitters: Uncertain significance (2). Last evaluated 2025-11-17.

Allele frequency attached by ClinVar (database versions not stated): gnomAD exomes below 0.00001.
gnomAD v4.1: 2 of 1,613,188 alleles (0.00012%); highest among the groups gnomAD compares: East Asian, 0.0022%; no homozygotes.

Submissions (2):

Ambry Genetics
Classification: Uncertain significance. Last evaluated: 2025-11-17. Review status: criteria provided, single submitter. Criteria: Ambry Variant Classification Scheme 2023. Collection method: clinical testing. Allele origin: germline.
Comment: The p.I426V variant (also known as c.1276A>G), located in coding exon 10 of the RECQL gene, results from an A to G substitution at nucleotide position 1276. The isoleucine at codon 426 is replaced by valine, an amino acid with highly similar properties. This amino acid position is well conserved in available vertebrate species. In addition, this alteration is predicted to be tolerated by in silico analysis. Since supporting evidence is limited at this time, the clinical significance of this alteration remains unclear.

Labcorp Genetics (formerly Invitae), Labcorp
Classification: Uncertain significance. Last evaluated: 2023-04-17. Review status: criteria provided, single submitter. Criteria: Invitae Variant Classification Sherloc (09022015). Collection method: clinical testing. Allele origin: germline.
Comment: ClinVar contains an entry for this variant (Variation ID: 1766581). This variant has not been reported in the literature in individuals affected with RECQL-related conditions. This variant is not present in population databases (gnomAD no frequency). This sequence change replaces isoleucine, which is neutral and non-polar, with valine, which is neutral and non-polar, at codon 426 of the RECQL protein (p.Ile426Val). Advanced modeling of protein sequence and biophysical properties (such as structural, functional, and spatial information, amino acid conservation, physicochemical variation, residue mobility, and thermodynamic stability) performed at Invitae indicates that this missense variant is not expected to disrupt RECQL protein function. In summary, the available evidence is currently insufficient to determine the role of this variant in disease. Therefore, it has been classified as a Variant of Uncertain Significance. Algorithms developed to predict the effect of sequence changes on RNA splicing suggest that this variant may create or strengthen a splice site.

NM_002907.4(RECQL):c.1276A>G (p.Ile426Val)

Gene: RECQL (RecQ like helicase; minus strand). Cytogenetic location: 12p12.1.
Variant type: single nucleotide variant.
Coding change: c.1276A>G on transcript NM_002907.4 (MANE Select); coding-DNA position 1276, A replaced by G.
Protein change: p.Ile426Val; replaces isoleucine 426 with valine.
Molecular consequence: missense variant.
Genome position (GRCh38, 1-based): chr12:21,474,920, T>C on the plus strand (A>G on the coding strand, the complement: RECQL is on the minus strand). VCF-style: chr12-21474920-T-C. GRCh37 (hg19) VCF-style: chr12-21627854-T-C.
Other names: c.1276A>G, p.Ile426Val (NM_032941.3); short protein forms I426V.
Identifiers: ClinVar variation 1766581 (VCV001766581.6), dbSNP rs2540341081, ClinGen allele CA384118605.